The following is an entry in ClinVar:

NM_001082971.2(DDC):c.39G>A (p.Met13Ile)

Gene: DDC (dopa decarboxylase; minus strand). Cytogenetic location: 7p12.1.
Variant type: single nucleotide variant.
Coding change: c.39G>A on transcript NM_001082971.2 (MANE Select); coding-DNA position 39, G replaced by A.
Protein change: p.Met13Ile; replaces methionine 13 with isoleucine.
Molecular consequence: missense variant.
Genome position (GRCh38, 1-based): chr7:50,544,047, C>T on the plus strand (G>A on the coding strand, the complement: DDC is on the minus strand). VCF-style: chr7-50544047-C-T. GRCh37 (hg19) VCF-style: chr7-50611745-C-T.
Other names: c.39G>A, p.Met13Ile (NM_000790.4, NM_001242886.2, NM_001242887.2 and 3 more transcripts); short protein forms M13I.
Identifiers: ClinVar variation 1461162 (VCV001461162.5), dbSNP rs2044724081, ClinGen allele CA367532259.

ClinVar aggregate classification (germline): Uncertain significance (1 of 4 stars; one submission).

Conditions:
Deficiency of aromatic-L-amino-acid decarboxylase. Also called: Aromatic amino acid decarboxylase deficiency; Aromatic L-Amino Acid Decarboxylase Deficiency; DDC DEFICIENCY; DOPA DECARBOXYLASE DEFICIENCY; AADC DEFICIENCY. Identifiers: Orphanet 35708, MedGen C1291564, MONDO:0012084, OMIM 608643.

Allele frequency attached by ClinVar (database versions not stated): TOPMed below 0.00001; gnomAD exomes 0.00001.

Submission:

Labcorp Genetics (formerly Invitae), Labcorp
Classification: Uncertain significance for Deficiency of aromatic-L-amino-acid decarboxylase. Last evaluated: 2022-08-21. Review status: criteria provided, single submitter. Criteria: Invitae Variant Classification Sherloc (09022015). Collection method: clinical testing. Allele origin: germline.
Comment: This sequence change replaces methionine, which is neutral and non-polar, with isoleucine, which is neutral and non-polar, at codon 13 of the DDC protein (p.Met13Ile). This variant is not present in population databases (gnomAD no frequency). This variant has not been reported in the literature in individuals affected with DDC-related conditions. ClinVar contains an entry for this variant (Variation ID: 1461162). Algorithms developed to predict the effect of missense changes on protein structure and function are either unavailable or do not agree on the potential impact of this missense change (SIFT: "Deleterious"; PolyPhen-2: "Benign"; Align-GVGD: "Class C0"). In summary, the available evidence is currently insufficient to determine the role of this variant in disease. Therefore, it has been classified as a Variant of Uncertain Significance.